The following is an entry in ClinVar:

NM_000287.4(PEX6):c.2667-2A>C

Gene: PEX6 (peroxisomal biogenesis factor 6; minus strand). Cytogenetic location: 6p21.1.
Variant type: single nucleotide variant.
Coding change: c.2667-2A>C on transcript NM_000287.4 (MANE Select); the canonical splice acceptor site of the intron before coding-DNA position 2667, A replaced by C.
Molecular consequence: splice acceptor variant.
Genome position (GRCh38, 1-based): chr6:42,964,931, T>G on the plus strand (A>C on the coding strand, the complement: PEX6 is on the minus strand). VCF-style: chr6-42964931-T-G. GRCh37 (hg19) VCF-style: chr6-42932669-T-G.
Other names: c.2403-2A>C (NM_001316313.2).
Identifiers: ClinVar variation 575426 (VCV000575426.11), dbSNP rs267608249, ClinGen allele CA364150527.
Genomic context (GRCh38, chr6:42,964,931, plus strand): 5'-GCTGGGGAGGGCAGCAATCTAGCACGTTTACCAGGCTCACAGATGGCTCTAGCTTGAATC[T>G]GTTGTGGGATACAGGAAGAAACAGAGTTGGCATCACCTCCTCCCTCGAAAGCCAGTGCTG-3'

ClinVar aggregate classification (germline): Pathogenic (1 of 4 stars; one submission).

Conditions:
Peroxisome biogenesis disorder. Identifiers: Orphanet 79189, MedGen C1832200, MONDO:0019234. Disease mechanism: loss of function.

Submission:

Labcorp Genetics (formerly Invitae), Labcorp
Classification: Pathogenic for Peroxisome biogenesis disorder. Last evaluated: 2024-11-27. Review status: criteria provided, single submitter. Criteria: Invitae Variant Classification Sherloc (09022015). Collection method: clinical testing. Allele origin: germline.
Comment: This sequence change affects an acceptor splice site in intron 15 of the PEX6 gene. It is expected to disrupt RNA splicing. Variants that disrupt the donor or acceptor splice site typically lead to a loss of protein function (PMID: 16199547), and loss-of-function variants in PEX6 are known to be pathogenic (PMID: 10408779, 21031596, 31831025). This variant is not present in population databases (gnomAD no frequency). Disruption of this splice site has been observed in individuals with clinical features of Zellweger syndrome (internal data). ClinVar contains an entry for this variant (Variation ID: 575426). Algorithms developed to predict the effect of sequence changes on RNA splicing suggest that this variant may disrupt the consensus splice site. This variant disrupts the c.2667-2A nucleotide in the PEX6 gene. Other variant(s) that disrupt this nucleotide have been determined to be pathogenic (PMID: 19877282). This suggests that this nucleotide is clinically significant, and that variants that disrupt this position are likely to be disease-causing. For these reasons, this variant has been classified as Pathogenic.

Literature cited by the submitters: PubMed 16199547; PubMed 10408779; PubMed 21031596; PubMed 31831025; PubMed 19877282.